The following is an entry in ClinVar:

NM_138773.4(SLC25A46):c.965C>G (p.Ala322Gly)

Gene: SLC25A46 (solute carrier family 25 member 46; plus strand). Cytogenetic location: 5q22.1.
Variant type: single nucleotide variant.
Coding change: c.965C>G on transcript NM_138773.4 (MANE Select); coding-DNA position 965, C replaced by G.
Protein change: p.Ala322Gly; replaces alanine 322 with glycine.
Molecular consequence: missense variant. On other transcripts: non-coding transcript variant (1).
Genome position (GRCh38, 1-based): chr5:110,761,490, C>G. VCF-style: chr5-110761490-C-G. GRCh37 (hg19) VCF-style: chr5-110097190-C-G.
Other names: c.722C>G, p.Ala241Gly (NM_001303249.3); c.692C>G, p.Ala231Gly (NM_001303250.3); short protein forms A241G, A322G, A231G.
Identifiers: ClinVar variation 1936475 (VCV001936475.5), dbSNP rs759534592, ClinGen allele CA360696580.

ClinVar aggregate classification (germline): Uncertain significance (1 of 4 stars; one submission).

Conditions:
Neuropathy, hereditary motor and sensory, type 6B (HMSN6B). Also called: Neuropathy, hereditary motor and sensory, type VIB; HMSN VIB; CHARCOT-MARIE-TOOTH DISEASE, TYPE 6B; NEUROPATHY, HEREDITARY MOTOR AND SENSORY, TYPE VIB, WITH OPTIC ATROPHY. Identifiers: MedGen C4225302, MONDO:0014671, OMIM 616505.

Allele frequency attached by ClinVar (database versions not stated): TOPMed below 0.00001.

Submission:

Labcorp Genetics (formerly Invitae), Labcorp
Classification: Uncertain significance for Neuropathy, hereditary motor and sensory, type 6B. Last evaluated: 2022-06-12. Review status: criteria provided, single submitter. Criteria: Invitae Variant Classification Sherloc (09022015). Collection method: clinical testing. Allele origin: germline.
Comment: In summary, the available evidence is currently insufficient to determine the role of this variant in disease. Therefore, it has been classified as a Variant of Uncertain Significance. Algorithms developed to predict the effect of missense changes on protein structure and function (SIFT, PolyPhen-2, Align-GVGD) all suggest that this variant is likely to be tolerated. This variant has not been reported in the literature in individuals affected with SLC25A46-related conditions. This variant is present in population databases (no rsID available, gnomAD 0.0009%). This sequence change replaces alanine, which is neutral and non-polar, with glycine, which is neutral and non-polar, at codon 322 of the SLC25A46 protein (p.Ala322Gly).